The following is an entry in ClinVar:

ClinVar aggregate classification (germline): Pathogenic/Likely pathogenic. Review status: criteria provided, multiple submitters, no conflicts (2 of 4 stars). 2 submissions from 2 submitters: Pathogenic (1); Likely pathogenic (1). Last evaluated 2026-09-18.

Conditions:
AKT3-related disorder. Also called: AKT3-related condition.

Submissions (2):

GeneDx
Classification: Pathogenic. Last evaluated: 2026-09-18. Review status: criteria provided, single submitter. Criteria: GeneDx Variant Classification Process June 2021. Collection method: clinical testing. Allele origin: germline.
Comment: Not observed at significant frequency in large population cohorts (gnomAD); In silico analysis supports that this missense variant has a deleterious effect on protein structure/function; Has not been previously published as pathogenic or benign to our knowledge

Blueprint Genetics
Classification: Likely pathogenic for AKT3-related disorders. Last evaluated: 2019-01-20. Review status: criteria provided, single submitter. Criteria: ACMG Guidelines, 2015. Collection method: clinical testing. Allele origin: germline. Affected: yes. Observed: 1 variant allele.

NM_005465.7(AKT3):c.686A>T (p.Asn229Ile)

Gene: AKT3 (AKT serine/threonine kinase 3; minus strand). Cytogenetic location: 1q44.
Variant type: single nucleotide variant.
Coding change: c.686A>T on transcript NM_005465.7 (MANE Select); coding-DNA position 686, A replaced by T.
Protein change: p.Asn229Ile; replaces asparagine 229 with isoleucine.
Molecular consequence: missense variant.
Genome position (GRCh38, 1-based): chr1:243,613,681, T>A on the plus strand (A>T on the coding strand, the complement: AKT3 is on the minus strand). VCF-style: chr1-243613681-T-A. GRCh37 (hg19) VCF-style: chr1-243776983-T-A.
Other names: c.686A>T, p.Asn229Ile (NM_001206729.2, NM_001370074.1, NM_181690.2); short protein forms N229I.
Identifiers: ClinVar variation 4527055 (VCV004527055.3).